The following is an entry in ClinVar:

ClinVar aggregate classification (germline): Uncertain significance. Review status: criteria provided, multiple submitters, no conflicts (2 of 4 stars). 2 submissions from 2 submitters: Uncertain significance (2). Last evaluated 2025-07-10.

Allele frequency attached by ClinVar (database versions not stated): ExAC 0.00007.
gnomAD v4.1: 178 of 1,598,802 alleles (0.011%); highest among the groups gnomAD compares: Non-Finnish European, 0.014%; no homozygotes.

Submissions (2):

Labcorp Genetics (formerly Invitae), Labcorp
Classification: Uncertain significance. Last evaluated: 2025-07-10. Review status: criteria provided, single submitter. Criteria: Invitae Variant Classification Sherloc (09022015). Collection method: clinical testing. Allele origin: germline.
Comment: This sequence change replaces leucine, which is neutral and non-polar, with serine, which is neutral and polar, at codon 504 of the FMN1 protein (p.Leu504Ser). This variant is present in population databases (rs201255763, gnomAD 0.01%). This variant has not been reported in the literature in individuals affected with FMN1-related conditions. ClinVar contains an entry for this variant (Variation ID: 2407081). Experimental studies and prediction algorithms are not available or were not evaluated, and the functional significance of this variant is currently unknown. In summary, the available evidence is currently insufficient to determine the role of this variant in disease. Therefore, it has been classified as a Variant of Uncertain Significance.

Ambry Genetics
Classification: Uncertain significance. Last evaluated: 2021-08-12. Review status: criteria provided, single submitter. Criteria: Ambry Variant Classification Scheme 2023. Collection method: clinical testing. Allele origin: germline.

NM_001277313.2(FMN1):c.2180T>C (p.Leu727Ser)

Gene: FMN1 (formin 1; minus strand). Cytogenetic location: 15q13.3.
Variant type: single nucleotide variant.
Coding change: c.2180T>C on transcript NM_001277313.2 (MANE Select); coding-DNA position 2180, T replaced by C.
Protein change: p.Leu727Ser; replaces leucine 727 with serine.
Molecular consequence: missense variant.
Genome position (GRCh38, 1-based): chr15:33,008,057, A>G on the plus strand (T>C on the coding strand, the complement: FMN1 is on the minus strand). VCF-style: chr15-33008057-A-G. GRCh37 (hg19) VCF-style: chr15-33300258-A-G.
Other names: c.1511T>C, p.Leu504Ser (NM_001103184.4); short protein forms L504S, L727S.
Identifiers: ClinVar variation 2407081 (VCV002407081.4), dbSNP rs201255763, ClinGen allele CA7457032.